The following is an entry in ClinVar:

ClinVar aggregate classification (germline): Uncertain significance (1 of 4 stars; one submission).

Allele frequency attached by ClinVar (database versions not stated): gnomAD exomes below 0.00001; ExAC 0.00001.

Submission:

Labcorp Genetics (formerly Invitae), Labcorp
Classification: Uncertain significance. Last evaluated: 2021-12-06. Review status: criteria provided, single submitter. Criteria: Invitae Variant Classification Sherloc (09022015). Collection method: clinical testing. Allele origin: germline.
Comment: In summary, the available evidence is currently insufficient to determine the role of this variant in disease. Therefore, it has been classified as a Variant of Uncertain Significance. Algorithms developed to predict the effect of missense changes on protein structure and function are either unavailable or do not agree on the potential impact of this missense change (SIFT: "Deleterious"; PolyPhen-2: "Probably Damaging"; Align-GVGD: "Class C0"). This variant has not been reported in the literature in individuals affected with DSG1-related conditions. This variant is present in population databases (rs770626749, gnomAD 0.007%). This sequence change replaces valine, which is neutral and non-polar, with glutamic acid, which is acidic and polar, at codon 176 of the DSG1 protein (p.Val176Glu).

NM_001942.4(DSG1):c.527T>A (p.Val176Glu)

Gene: DSG1 (desmoglein 1; plus strand). Cytogenetic location: 18q12.1.
Variant type: single nucleotide variant.
Coding change: c.527T>A on transcript NM_001942.4 (MANE Select); coding-DNA position 527, T replaced by A.
Protein change: p.Val176Glu; replaces valine 176 with glutamic acid.
Molecular consequence: missense variant.
Genome position (GRCh38, 1-based): chr18:31,331,710, T>A. VCF-style: chr18-31331710-T-A. GRCh37 (hg19) VCF-style: chr18-28911673-T-A.
Other names: short protein forms V176E.
Identifiers: ClinVar variation 1396445 (VCV001396445.6), dbSNP rs770626749, ClinGen allele CA8925868.